The following is an entry in ClinVar:

NM_001903.5(CTNNA1):c.505A>C (p.Asn169His)

Gene: CTNNA1 (catenin alpha 1; plus strand). Cytogenetic location: 5q31.2.
Variant type: single nucleotide variant.
Coding change: c.505A>C on transcript NM_001903.5 (MANE Select); coding-DNA position 505, A replaced by C.
Protein change: p.Asn169His; replaces asparagine 169 with histidine.
Molecular consequence: missense variant.
Genome position (GRCh38, 1-based): chr5:138,812,219, A>C. VCF-style: chr5-138812219-A-C. GRCh37 (hg19) VCF-style: chr5-138147908-A-C.
Other names: c.505A>C, p.Asn169His (NM_001290307.3, NM_001323982.2, NM_001323983.1 and 3 more transcripts); c.196A>C, p.Asn66His (NM_001290309.3); c.136A>C, p.Asn46His (NM_001290310.3); c.505A>C (NM_001903.2); short protein forms N66H, N46H, N169H.
Identifiers: ClinVar variation 1376794 (VCV001376794.7), dbSNP rs778667305, ClinGen allele CA128220912.

ClinVar aggregate classification (germline): Uncertain significance. Review status: criteria provided, multiple submitters, no conflicts (2 of 4 stars). 2 submissions from 2 submitters: Uncertain significance (2). Last evaluated 2025-12-24.

Conditions:
Hereditary cancer-predisposing syndrome. Also called: Neoplastic Syndromes, Hereditary; Hereditary Cancer Syndrome; Tumor predisposition; Hereditary neoplastic syndrome. Identifiers: Orphanet 140162, MedGen C0027672, MeSH D009386, MONDO:0015356.

gnomAD v4.1: 5 of 1,613,872 alleles (0.00031%); highest among the groups gnomAD compares: Non-Finnish European, 0.00042%; no homozygotes.

Submissions (2):

Labcorp Genetics (formerly Invitae), Labcorp
Classification: Uncertain significance. Last evaluated: 2025-12-24. Review status: criteria provided, single submitter. Criteria: Invitae Variant Classification Sherloc (09022015). Collection method: clinical testing. Allele origin: germline.
Comment: This sequence change replaces asparagine, which is neutral and polar, with histidine, which is basic and polar, at codon 169 of the CTNNA1 protein (p.Asn169His). This variant is not present in population databases (gnomAD no frequency). This variant has not been reported in the literature in individuals affected with CTNNA1-related conditions. ClinVar contains an entry for this variant (Variation ID: 1376794). Invitae Evidence Modeling of protein sequence and biophysical properties (such as structural, functional, and spatial information, amino acid conservation, physicochemical variation, residue mobility, and thermodynamic stability) indicates that this missense variant is not expected to disrupt CTNNA1 protein function with a negative predictive value of 80%. In summary, the available evidence is currently insufficient to determine the role of this variant in disease. Therefore, it has been classified as a Variant of Uncertain Significance.

Ambry Genetics
Classification: Uncertain significance for Hereditary cancer-predisposing syndrome. Last evaluated: 2025-02-15. Review status: criteria provided, single submitter. Criteria: Ambry Variant Classification Scheme 2023. Collection method: clinical testing. Allele origin: germline.
Comment: The p.N169H variant (also known as c.505A>C), located in coding exon 4 of the CTNNA1 gene, results from an A to C substitution at nucleotide position 505. The asparagine at codon 169 is replaced by histidine, an amino acid with similar properties. This amino acid position is conserved. In addition, this alteration is predicted to be tolerated by in silico analysis. Based on the available evidence, the clinical significance of this variant remains unclear.